The following is an entry in ClinVar:

NM_000321.3(RB1):c.2232C>G (p.Ile744Met)

Gene: RB1 (RB transcriptional corepressor 1; plus strand). Cytogenetic location: 13q14.2.
Variant type: single nucleotide variant.
Coding change: c.2232C>G on transcript NM_000321.3 (MANE Select); coding-DNA position 2232, C replaced by G.
Protein change: p.Ile744Met; replaces isoleucine 744 with methionine.
Molecular consequence: missense variant.
Genome position (GRCh38, 1-based): chr13:48,465,018, C>G. VCF-style: chr13-48465018-C-G. GRCh37 (hg19) VCF-style: chr13-49039154-C-G.
Other names: c.2232C>G, p.Ile744Met (NM_001407165.1); short protein forms I744M.
Identifiers: ClinVar variation 3074427 (VCV003074427.1), dbSNP rs2542375158, ClinGen allele CA388167519.

ClinVar aggregate classification (germline): Uncertain significance (1 of 4 stars; one submission).

Conditions:
Retinoblastoma (RB1). Also called: RETINOBLASTOMA, SOMATIC. Identifiers: Orphanet 790, MedGen C0035335, MeSH D012175, MONDO:0008380, OMIM 180200, HP:0009919. Disease mechanism: loss of function. Inheritance: Both sporadic and heritable forms are tested..

Submission:

All of Us Research Program, National Institutes of Health
Classification: Uncertain significance for Retinoblastoma. Last evaluated: 2023-12-01. Review status: criteria provided, single submitter. Criteria: ACMG Guidelines, 2015. Collection method: clinical testing. Allele origin: germline. Inheritance: Autosomal dominant inheritance. Observed: 1 variant allele, 1 heterozygote.
Comment: This study involves interpretation of variants in research participants for the purpose of population health screening. Participant phenotype was not available at the time of variant classification. Additional details can be found in publication PMID: 35346344, PMCID: PMC8962531